The following is an entry in ClinVar:

ClinVar aggregate classification (germline): Uncertain significance. Review status: criteria provided, multiple submitters, no conflicts (2 of 4 stars). 2 submissions from 2 submitters: Uncertain significance (2). Last evaluated 2025-11-13.

Conditions:
Inborn genetic diseases. Identifiers: MedGen C0950123, MeSH D030342.

gnomAD v4.1: 3 of 1,614,162 alleles (0.00019%); highest among the groups gnomAD compares: African/African-American, 0.0027%; no homozygotes.

Submissions (2):

Ambry Genetics
Classification: Uncertain significance for Inborn genetic diseases. Last evaluated: 2025-11-13. Review status: criteria provided, single submitter. Criteria: Ambry Variant Classification Scheme 2023. Collection method: clinical testing. Allele origin: germline.

GeneDx
Classification: Uncertain significance. Last evaluated: 2023-12-06. Review status: criteria provided, single submitter. Criteria: GeneDx Variant Classification Process June 2021. Collection method: clinical testing. Allele origin: germline. Affected: yes.
Comment: Not observed at significant frequency in large population cohorts (gnomAD); In silico analysis supports that this missense variant has a deleterious effect on protein structure/function; Has not been previously published as pathogenic or benign to our knowledge; This variant is associated with the following publications: (PMID: 23472759)

NM_002291.3(LAMB1):c.2921A>C (p.Gln974Pro)

Gene: LAMB1 (laminin subunit beta 1; minus strand). Cytogenetic location: 7q31.1.
Variant type: single nucleotide variant.
Coding change: c.2921A>C on transcript NM_002291.3 (MANE Select); coding-DNA position 2921, A replaced by C.
Protein change: p.Gln974Pro; replaces glutamine 974 with proline.
Molecular consequence: missense variant.
Genome position (GRCh38, 1-based): chr7:107,953,688, T>G on the plus strand (A>C on the coding strand, the complement: LAMB1 is on the minus strand). VCF-style: chr7-107953688-T-G. GRCh37 (hg19) VCF-style: chr7-107594133-T-G.
Other names: short protein forms Q974P.
Identifiers: ClinVar variation 3361549 (VCV003361549.2).